The following is an entry in ClinVar:

ClinVar aggregate classification (germline): Pathogenic (0 of 4 stars; one submission).

Conditions:
Oligodontia. Identifiers: MedGen C4082304, HP:0000677.

Submission:

Department of Prosthodontics, School and Hospital of Stomatology, Hebei Medical University and Hebei Key Laboratory of Stomatology
Classification: Pathogenic for Oligodontia. Review status: no assertion criteria provided. Collection method: research. Allele origin: de novo. Affected: yes.
Comment: MutationTaster prediction for the mutation was "disease causing", suggesting the variant was highly pathogenic.

Literature cited by the submitters: PubMed 29969831.

NM_001372076.1(PAX9):c.243del (p.Thr82fs)

Gene: PAX9 (paired box 9; plus strand). Cytogenetic location: 14q13.3.
Variant type: Deletion.
Coding change: c.243del on transcript NM_001372076.1 (MANE Select); coding-DNA position 243, one base deleted (C; older notation c.243delC).
Protein change: p.Thr82fs; shifts the reading frame from threonine 82.
Molecular consequence: frameshift variant.
Genome position (GRCh38, 1-based): chr14:36,663,135, C deleted; the last of 5 consecutive C bases (chr14:36,663,131-36,663,135); deleting any one gives the same sequence. VCF-style (leftmost placement, unchanged base first): chr14-36663130-AC-A. GRCh37 (hg19) VCF-style: chr14-37132335-AC-A.
Other names: c.243del, p.Thr82fs (NM_006194.4); c.239delC (NM_006194.4); short protein forms T82fs.
Identifiers: ClinVar variation 1064706 (VCV001064706.2), dbSNP rs2139108140, ClinGen allele CA2499222620.